The following is an entry in ClinVar:

ClinVar aggregate classification (germline): Uncertain significance. Review status: criteria provided, multiple submitters, no conflicts (2 of 4 stars). 2 submissions from 2 submitters: Uncertain significance (2). Last evaluated 2025-09-03.

Conditions:
Inborn genetic diseases. Identifiers: MedGen C0950123, MeSH D030342.

Allele frequency attached by ClinVar (database versions not stated): ExAC 0.00003; TOPMed 0.00003; gnomAD 0.00003.
gnomAD v4.1: 56 of 1,614,106 alleles (0.0035%); highest among the groups gnomAD compares: Middle Eastern, 0.082%; 1 homozygote.

Submissions (2):

Labcorp Genetics (formerly Invitae), Labcorp
Classification: Uncertain significance. Last evaluated: 2025-09-03. Review status: criteria provided, single submitter. Criteria: Invitae Variant Classification Sherloc (09022015). Collection method: clinical testing. Allele origin: germline.
Comment: This sequence change replaces lysine, which is basic and polar, with arginine, which is basic and polar, at codon 526 of the DHX37 protein (p.Lys526Arg). This variant is present in population databases (rs753406000, gnomAD 0.006%). This variant has not been reported in the literature in individuals affected with DHX37-related conditions. ClinVar contains an entry for this variant (Variation ID: 1965004). Invitae Evidence Modeling of protein sequence and biophysical properties (such as structural, functional, and spatial information, amino acid conservation, physicochemical variation, residue mobility, and thermodynamic stability) indicates that this missense variant is not expected to disrupt DHX37 protein function with a negative predictive value of 80%. In summary, the available evidence is currently insufficient to determine the role of this variant in disease. Therefore, it has been classified as a Variant of Uncertain Significance.

Ambry Genetics
Classification: Uncertain significance for Inborn genetic diseases. Last evaluated: 2024-11-12. Review status: criteria provided, single submitter. Criteria: Ambry Variant Classification Scheme 2023. Collection method: clinical testing. Allele origin: germline.

NM_032656.4(DHX37):c.1577A>G (p.Lys526Arg)

Gene: DHX37 (DEAH-box helicase 37; minus strand). Cytogenetic location: 12q24.31.
Variant type: single nucleotide variant.
Coding change: c.1577A>G on transcript NM_032656.4 (MANE Select); coding-DNA position 1577, A replaced by G.
Protein change: p.Lys526Arg; replaces lysine 526 with arginine.
Molecular consequence: missense variant.
Genome position (GRCh38, 1-based): chr12:124,966,806, T>C on the plus strand (A>G on the coding strand, the complement: DHX37 is on the minus strand). VCF-style: chr12-124966806-T-C. GRCh37 (hg19) VCF-style: chr12-125451352-T-C.
Other names: c.1577A>G (NM_032656.3); short protein forms K526R.
Identifiers: ClinVar variation 1965004 (VCV001965004.6), dbSNP rs753406000, ClinGen allele CA6871972.